The following is an entry in ClinVar:

NM_001384732.1(CPLANE1):c.196G>T (p.Val66Phe)

Gene: CPLANE1 (ciliogenesis and planar polarity effector complex subunit 1; minus strand). Cytogenetic location: 5p13.2.
Variant type: single nucleotide variant.
Coding change: c.196G>T on transcript NM_001384732.1 (MANE Select); coding-DNA position 196, G replaced by T.
Protein change: p.Val66Phe; replaces valine 66 with phenylalanine.
Molecular consequence: missense variant.
Genome position (GRCh38, 1-based): chr5:37,245,731, C>A on the plus strand (G>T on the coding strand, the complement: CPLANE1 is on the minus strand). VCF-style: chr5-37245731-C-A. GRCh37 (hg19) VCF-style: chr5-37245833-C-A.
Other names: c.196G>T, p.Val66Phe (NM_023073.4); short protein forms V66F.
Identifiers: ClinVar variation 1400660 (VCV001400660.7), dbSNP rs1466959461, ClinGen allele CA359524149.
Genomic context (GRCh38, chr5:37,245,731, plus strand): 5'-TATAGTTTTAGCCATTTGAAAATATCAGTACTACTTAACCATTACTGGATGTTGTTAGGA[C>A]AATAACATCCTTCAAGAAAGGCTGCAGACTAGGAATTTTCTTCTTTATCTTTCCTGATAG-3'
Protein context (NP_001371661.1, residues 56-76): SLQPFLKDVI[Val66Phe]LTTSSNDAWL

ClinVar aggregate classification (germline): Uncertain significance (1 of 4 stars; one submission).

Allele frequency attached by ClinVar (database versions not stated): gnomAD exomes 0.00001.
gnomAD v4.1: 8 of 1,530,152 alleles (0.00052%); highest among the groups gnomAD compares: South Asian, 0.01%; no homozygotes.

Submission:

Labcorp Genetics (formerly Invitae), Labcorp
Classification: Uncertain significance. Last evaluated: 2022-08-15. Review status: criteria provided, single submitter. Criteria: Invitae Variant Classification Sherloc (09022015). Collection method: clinical testing. Allele origin: germline.
Comment: This sequence change replaces valine, which is neutral and non-polar, with phenylalanine, which is neutral and non-polar, at codon 66 of the CPLANE1 protein (p.Val66Phe). This variant is present in population databases (no rsID available, gnomAD 0.006%). In summary, the available evidence is currently insufficient to determine the role of this variant in disease. Therefore, it has been classified as a Variant of Uncertain Significance. Advanced modeling of protein sequence and biophysical properties (such as structural, functional, and spatial information, amino acid conservation, physicochemical variation, residue mobility, and thermodynamic stability) performed at Invitae indicates that this missense variant is not expected to disrupt CPLANE1 protein function. ClinVar contains an entry for this variant (Variation ID: 1400660). This variant has not been reported in the literature in individuals affected with CPLANE1-related conditions.